The following is an entry in ClinVar:

NM_002485.5(NBN):c.49A>G (p.Arg17Gly)

Gene: NBN (nibrin; minus strand). Cytogenetic location: 8q21.3.
Variant type: single nucleotide variant.
Coding change: c.49A>G on transcript NM_002485.5 (MANE Select); coding-DNA position 49, A replaced by G.
Protein change: p.Arg17Gly; replaces arginine 17 with glycine.
Molecular consequence: missense variant. On other transcripts: 5 prime UTR variant (1).
Genome position (GRCh38, 1-based): chr8:89,982,844, T>C on the plus strand (A>G on the coding strand, the complement: NBN is on the minus strand). VCF-style: chr8-89982844-T-C. GRCh37 (hg19) VCF-style: chr8-90995072-T-C.
Other names: c.-248A>G (NM_001024688.3); short protein forms R17G.
Identifiers: ClinVar variation 3403063 (VCV003403063.1).
Genomic context (GRCh38, chr8:89,982,844, plus strand): 5'-TTTCAATCAGAATGGCACAGTTTTTCCTTCCAACAACGTACTCAACGCCAGTCAAAAGTC[T>C]GTATGGTTCTCCTGAGATAAATTTTTTTTTAAAAAAAGATAAGTTGATAGACACATACAC-3'
Protein context (NP_002476.2, residues 7-27): AAGPAGGEPY[Arg17Gly]LLTGVEYVVG

ClinVar aggregate classification (germline): Uncertain significance (1 of 4 stars; one submission).

Conditions:
Hereditary cancer-predisposing syndrome. Also called: Hereditary Cancer Syndrome; Tumor predisposition; Hereditary neoplastic syndrome; Neoplastic Syndromes, Hereditary. Identifiers: Orphanet 140162, MedGen C0027672, MeSH D009386, MONDO:0015356.

gnomAD v4.1: 1 of 1,613,576 alleles (0.000062%); highest among the groups gnomAD compares: Non-Finnish European, 0.000085%; no homozygotes.

Submission:

Ambry Genetics
Classification: Uncertain significance for Hereditary cancer-predisposing syndrome. Last evaluated: 2024-09-02. Review status: criteria provided, single submitter. Criteria: Ambry Variant Classification Scheme 2023. Collection method: clinical testing. Allele origin: germline.
Comment: The p.R17G variant (also known as c.49A>G), located in coding exon 2 of the NBN gene, results from an A to G substitution at nucleotide position 49. The arginine at codon 17 is replaced by glycine, an amino acid with dissimilar properties. This amino acid position is conserved. In addition, the in silico prediction for this alteration is inconclusive. Based on the available evidence, the clinical significance of this variant remains unclear.